The following is an entry in ClinVar:

NM_001105247.2(ARMC5):c.1223A>G (p.Gln408Arg)

Gene: ARMC5 (armadillo repeat containing 5; plus strand). Cytogenetic location: 16p11.2.
Variant type: single nucleotide variant.
Coding change: c.1223A>G on transcript NM_001105247.2 (MANE Select); coding-DNA position 1223, A replaced by G.
Protein change: p.Gln408Arg; replaces glutamine 408 with arginine.
Molecular consequence: missense variant.
Genome position (GRCh38, 1-based): chr16:31,462,770, A>G. VCF-style: chr16-31462770-A-G. GRCh37 (hg19) VCF-style: chr16-31474091-A-G.
Other names: c.1508A>G (NM_001288767.1); c.1508A>G, p.Gln503Arg (NM_001288767.2); c.1319A>G, p.Gln440Arg (NM_001301820.1); c.1223A>G, p.Gln408Arg (NM_024742.2); short protein forms Q408R, Q503R, Q440R.
Identifiers: ClinVar variation 782962 (VCV000782962.20), dbSNP rs141923065, ClinGen allele CA8029628.

ClinVar aggregate classification (germline): Benign/Likely benign. Review status: criteria provided, multiple submitters, no conflicts (2 of 4 stars). 3 submissions from 3 submitters: Benign (1); Likely benign (1). 1 of the submissions does not count toward it. Last evaluated 2026-04-01.

Conditions:
ARMC5-related disorder. Also called: ARMC5-related condition.

Allele frequency attached by ClinVar (database versions not stated): ESP Exome Variant Server 0.00414; gnomAD exomes 0.00450 and 0.00313; 1000 Genomes Project 0.00120; 1000 Genomes Project 30x 0.00125; TOPMed 0.00313; ExAC 0.00337; gnomAD 0.00339 and 0.00352.
gnomAD v4.1: 6,976 of 1,613,952 alleles (0.43%); highest among the groups gnomAD compares: Non-Finnish European, 0.56%; 24 homozygotes.

Submissions (3):

CeGaT Center for Human Genetics Tuebingen
Classification: Likely benign. Last evaluated: 2026-04-01. Review status: criteria provided, single submitter. Criteria: CeGaT Center For Human Genetics Tuebingen Variant Classification Criteria Version 2. Collection method: clinical testing. Allele origin: germline. Affected: yes. Observed: 2 variant alleles.
Comment: ARMC5: BS2

Labcorp Genetics (formerly Invitae), Labcorp
Classification: Benign. Last evaluated: 2019-12-31. Review status: criteria provided, single submitter. Criteria: Invitae Variant Classification Sherloc (09022015). Collection method: clinical testing. Allele origin: germline.

PreventionGenetics, part of Exact Sciences
Classification: Benign for ARMC5-related condition. Last evaluated: 2019-06-12. Review status: no assertion criteria provided. Collection method: clinical testing. Allele origin: germline. Not counted in ClinVar's aggregate classification.
Comment: This variant is classified as benign based on ACMG/AMP sequence variant interpretation guidelines (Richards et al. 2015 PMID: 25741868, with internal and published modifications).